The following is an entry in ClinVar:

NM_014845.6(FIG4):c.1986dup (p.Lys663fs)

Gene: FIG4 (FIG4 phosphoinositide 5-phosphatase; plus strand). Cytogenetic location: 6q21.
Variant type: Duplication.
Coding change: c.1986dup on transcript NM_014845.6 (MANE Select); coding-DNA position 1986, one base duplicated (G; older notation c.1986dupG).
Protein change: p.Lys663fs; shifts the reading frame from lysine 663.
Molecular consequence: frameshift variant.
Genome position (GRCh38, 1-based): chr6:109,786,339, G duplicated. VCF-style (leftmost placement, unchanged base first): chr6-109786338-A-AG. GRCh37 (hg19) VCF-style: chr6-110107541-A-AG.
Other names: c.1986dupG (NM_014845.5); short protein forms K663fs.
Identifiers: ClinVar variation 637086 (VCV000637086.10), dbSNP rs1197741113, ClinGen allele CA569601528.
Genomic context (GRCh38, chr6:109,786,338, plus strand): 5'-AGTAACATGCAGTATCTCTCTTAGTTATCTGTGCTGTGAACTTAAAGAAGTTGATAGTGA[A>AG]GAAATTCCACAAATATGAAGAAGAGATTGATATCCACAATGAGTTCTTTCGGCCATATGA-3'

ClinVar aggregate classification (germline): Pathogenic. Review status: criteria provided, single submitter (1 of 4 stars). 3 submissions from 3 submitters: Pathogenic (1). 2 of the submissions do not count toward it. Last evaluated 2020-09-21.

Conditions:
Charcot-Marie-Tooth disease. Also called: Charcot-Marie-Tooth Hereditary Neuropathy; Charcot-Marie-Tooth Neuropathy. Identifiers: Orphanet 166, MedGen C0007959, MONDO:0015626.
Charcot-Marie-Tooth disease type 4. Also called: Charcot-Marie-Tooth, Type 4; Charcot-Marie-Tooth disease, type IV. Identifiers: Orphanet 64749, MedGen C4082197, MONDO:0018995.
Charcot-Marie-Tooth disease type 4J (CMT4J). Also called: Charcot-Marie-Tooth Neuropathy Type 4J; CHARCOT-MARIE-TOOTH DISEASE, AUTOSOMAL RECESSIVE, TYPE 4J; CHARCOT-MARIE-TOOTH DISEASE, DEMYELINATING, TYPE 4J. Identifiers: Orphanet 139515, MedGen C1970011, MONDO:0012640, OMIM 611228.

Allele frequency attached by ClinVar (database versions not stated): gnomAD exomes below 0.00001.

Submissions (3):

Labcorp Genetics (formerly Invitae), Labcorp
Classification: Pathogenic for Charcot-Marie-Tooth disease type 4. Last evaluated: 2020-09-21. Review status: criteria provided, single submitter. Criteria: Invitae Variant Classification Sherloc (09022015). Collection method: clinical testing. Allele origin: germline.
Comment: For these reasons, this variant has been classified as Pathogenic. Loss-of-function variants in FIG4 are known to be pathogenic (PMID: 23623387). This variant has been observed in individual(s) referred for clinical testing for Charcot-Marie-Tooth disease (PMID: 21705420). ClinVar contains an entry for this variant (Variation ID: 637086). This variant is not present in population databases (ExAC no frequency). This sequence change creates a premature translational stop signal (p.Lys663Glufs*6) in the FIG4 gene. It is expected to result in an absent or disrupted protein product.

Inherited Neuropathy Consortium Ii, University Of Miami
Classification: Uncertain significance for Charcot-Marie-Tooth disease type 4J. Last evaluated: 2016-01-06. Review status: no assertion criteria provided. Collection method: literature only. Allele origin: germline. Affected: yes. Not counted in ClinVar's aggregate classification.

Inherited Neuropathy Consortium
Classification: Uncertain significance for Charcot-Marie-Tooth disease. Review status: no assertion criteria provided. Collection method: literature only. Allele origin: germline. Affected: yes. Not counted in ClinVar's aggregate classification.

Literature cited by the submitters: PubMed 23623387 (cited by Labcorp Genetics (formerly Invitae), Labcorp); PubMed 21705420 (cited by 3 submitters).